The following is an entry in ClinVar:

ClinVar aggregate classification (germline): Uncertain significance (1 of 4 stars; one submission).

Conditions:
Glycogen storage disease IXa1. Also called: LIVER GLYCOGENOSIS, X-LINKED, TYPE I; GLYCOGEN STORAGE DISEASE VIII; GSD VIII; Glycogen storage disease 8. Identifiers: Orphanet 264580, MedGen C3694531, MONDO:0010598, OMIM 306000.

Allele frequency attached by ClinVar (database versions not stated): gnomAD exomes below 0.00001; TOPMed 0.00001; gnomAD 0.00002.
gnomAD v4.1: 6 of 1,210,070 alleles (0.0005%); highest among the groups gnomAD compares: South Asian, 0.0018%; no homozygotes.

Submission:

Labcorp Genetics (formerly Invitae), Labcorp
Classification: Uncertain significance for Glycogen storage disease IXa1. Last evaluated: 2021-03-24. Review status: criteria provided, single submitter. Criteria: Invitae Variant Classification Sherloc (09022015). Collection method: clinical testing. Allele origin: germline.
Comment: In summary, the available evidence is currently insufficient to determine the role of this variant in disease. Therefore, it has been classified as a Variant of Uncertain Significance. Algorithms developed to predict the effect of missense changes on protein structure and function are either unavailable or do not agree on the potential impact of this missense change (SIFT: "Deleterious"; PolyPhen-2: "Probably Damaging"; Align-GVGD: "Class C0"). This variant has not been reported in the literature in individuals with PHKA2-related conditions. This variant is not present in population databases (ExAC no frequency). This sequence change replaces lysine with arginine at codon 103 of the PHKA2 protein (p.Lys103Arg). The lysine residue is highly conserved and there is a small physicochemical difference between lysine and arginine.

NM_000292.3(PHKA2):c.308A>G (p.Lys103Arg)

Gene: PHKA2 (phosphorylase kinase regulatory subunit alpha 2; minus strand). Cytogenetic location: Xp22.13.
Variant type: single nucleotide variant.
Coding change: c.308A>G on transcript NM_000292.3 (MANE Select); coding-DNA position 308, A replaced by G.
Protein change: p.Lys103Arg; replaces lysine 103 with arginine.
Molecular consequence: missense variant.
Genome position (GRCh38, 1-based): chrX:18,951,250, T>C on the plus strand (A>G on the coding strand, the complement: PHKA2 is on the minus strand). VCF-style: chrX-18951250-T-C. GRCh37 (hg19) VCF-style: chrX-18969368-T-C.
Other names: short protein forms K103R.
Identifiers: ClinVar variation 1372128 (VCV001372128.8), dbSNP rs2048680804, ClinGen allele CA412375886.